The following is an entry in ClinVar:

NM_007294.4(BRCA1):c.581del (p.Ala194fs)

Gene: BRCA1 (BRCA1 DNA repair associated; minus strand). Cytogenetic location: 17q21.31.
Variant type: Deletion.
Coding change: c.581del on transcript NM_007294.4 (MANE Select); coding-DNA position 581, one base deleted (C; older notation c.581delC).
Protein change: p.Ala194fs; shifts the reading frame from alanine 194.
Molecular consequence: frameshift variant. On other transcripts: intron variant (115).
Genome position (GRCh38, 1-based): chr17:43,097,256, G deleted on the plus strand (C on the coding strand, the reverse complement: BRCA1 is on the minus strand). VCF-style (leftmost placement, unchanged base first): chr17-43097255-TG-T. GRCh37 (hg19) VCF-style: chr17-41249272-TG-T.
Other names: c.440del, p.Ala147fs (NM_001407945.1, NM_001407692.1, NM_001407694.1 and 43 more transcripts); c.581del, p.Ala194fs (NM_001407969.1, NM_001407970.1, NM_001407968.1 and 58 more transcripts); c.200del, p.Ala67fs (NM_001407963.1, NM_001407960.1, NM_001407959.1 and 1 more transcripts); c.437del, p.Ala146fs (NM_001407964.1, NM_001407740.1, NM_001407741.1 and 26 more transcripts); c.197del, p.Ala66fs (NM_001407962.1); c.368del, p.Ala123fs (NM_001407571.1, NM_001407853.1, NM_001407894.1 and 12 more transcripts); c.578del, p.Ala193fs (NM_001407587.1, NM_001407590.1, NM_001407591.1 and 41 more transcripts); c.572del, p.Ala191fs (NM_001407646.1, NM_001407647.1, NM_001408408.1); and 18 more; short protein forms A124fs, A149fs, A193fs, A194fs, A146fs, A147fs, A191fs, A123fs.
Identifiers: ClinVar variation 2565341 (VCV002565341.2), dbSNP rs2552235739, ClinGen allele CA2580612663.

ClinVar aggregate classification (germline): Uncertain significance (1 of 4 stars; one submission).

Conditions:
Hereditary cancer-predisposing syndrome. Also called: Neoplastic Syndromes, Hereditary; Hereditary Cancer Syndrome; Hereditary neoplastic syndrome; Tumor predisposition. Identifiers: Orphanet 140162, MedGen C0027672, MeSH D009386, MONDO:0015356.

Submission:

Ambry Genetics
Classification: Uncertain significance for Hereditary cancer-predisposing syndrome. Last evaluated: 2023-04-15. Review status: criteria provided, single submitter. Criteria: Ambry Variant Classification Scheme 2023. Collection method: clinical testing. Allele origin: germline.
Comment: The c.581delC variant, located in coding exon 7 of the BRCA1 gene, results from a deletion of one nucleotide at nucleotide position 581, causing a translational frameshift with a predicted alternate stop codon (p.A194Efs*40). This alteration is expected to result in loss of function by premature protein truncation or nonsense-mediated mRNA decay. However, this variant occurs in an exon that is absent in biologically relevant transcripts (Colombo M et al. Hum. Mol. Genet. 2014 Jul;23:3666-80). Since supporting evidence is limited at this time, the clinical significance of this alteration remains unclear.